The following is an entry in ClinVar:

ClinVar aggregate classification (germline): Uncertain significance (1 of 4 stars; one submission).

Conditions:
Cardiovascular phenotype. Identifiers: MedGen CN230736.

Submission:

Ambry Genetics
Classification: Uncertain significance for Cardiovascular phenotype. Last evaluated: 2023-10-10. Review status: criteria provided, single submitter. Criteria: Ambry Variant Classification Scheme 2023. Collection method: clinical testing. Allele origin: germline.
Comment: The p.D2980N variant (also known as c.8938G>A), located in coding exon 2 of the ZNF469 gene, results from a G to A substitution at nucleotide position 8938. The aspartic acid at codon 2980 is replaced by asparagine, an amino acid with highly similar properties. This amino acid position is conserved. In addition, this alteration is predicted to be tolerated by in silico analysis. Since supporting evidence is limited at this time, the clinical significance of this alteration remains unclear.

NM_001367624.2(ZNF469):c.9022G>A (p.Asp3008Asn)

Gene: ZNF469 (zinc finger protein 469; plus strand). Cytogenetic location: 16q24.2.
Variant type: single nucleotide variant.
Coding change: c.9022G>A on transcript NM_001367624.2 (MANE Select); coding-DNA position 9022, G replaced by A.
Protein change: p.Asp3008Asn; replaces aspartic acid 3008 with asparagine.
Molecular consequence: missense variant.
Genome position (GRCh38, 1-based): chr16:88,436,492, G>A. VCF-style: chr16-88436492-G-A. GRCh37 (hg19) VCF-style: chr16-88502900-G-A.
Other names: NM_001127464.1:c.8938G>A; short protein forms D3008N.
Identifiers: ClinVar variation 3232875 (VCV003232875.1), dbSNP rs1324582542, ClinGen allele CA397120269.